The following is an entry in ClinVar:

NM_177438.3(DICER1):c.2786A>G (p.Asp929Gly)

Gene: DICER1 (dicer 1, ribonuclease III; minus strand). Cytogenetic location: 14q32.13.
Variant type: single nucleotide variant.
Coding change: c.2786A>G on transcript NM_177438.3 (MANE Select); coding-DNA position 2786, A replaced by G.
Protein change: p.Asp929Gly; replaces aspartic acid 929 with glycine.
Molecular consequence: missense variant. On other transcripts: non-coding transcript variant (6).
Genome position (GRCh38, 1-based): chr14:95,107,626, T>C on the plus strand (A>G on the coding strand, the complement: DICER1 is on the minus strand). VCF-style: chr14-95107626-T-C. GRCh37 (hg19) VCF-style: chr14-95573963-T-C.
Other names: c.2786A>G, p.Asp929Gly (NM_001195573.1, NM_001271282.3, NM_001291628.2 and 12 more transcripts); c.2504A>G, p.Asp835Gly (NM_001395686.1); c.2381A>G, p.Asp794Gly (NM_001395687.1, NM_001395688.1, NM_001395689.1 and 2 more transcripts); c.2219A>G, p.Asp740Gly (NM_001395691.1); c.1103A>G, p.Asp368Gly (NM_001395697.1); short protein forms D740G, D794G, D835G, D929G, D368G.
Identifiers: ClinVar variation 3644137 (VCV003644137.2).
Genomic context (GRCh38, chr14:95,107,626, plus strand): 5'-ACAAAGTATCACCACCATTTTCCTTTCCATTTAAATACCTACCTTGGAATGATAACGGCA[T>C]CTTGGTAATCTTCTAATTTAAAAACAAAGGGTGTTTCTTTTGTATACTTTGTACTGGGAA-3'
Protein context (NP_803187.1, residues 919-939): PFVFKLEDYQ[Asp929Gly]AVIIPRYRNF

ClinVar aggregate classification (germline): Uncertain significance (1 of 4 stars; one submission).

Conditions:
DICER1-related tumor predisposition. Also called: DICER1 syndrome; DICER1-related pleuropulmonary blastoma cancer predisposition syndrome. Identifiers: Orphanet 284343, MedGen C3839822, MONDO:0100216.

Submission:

Labcorp Genetics (formerly Invitae), Labcorp
Classification: Uncertain significance for DICER1-related tumor predisposition. Last evaluated: 2024-03-02. Review status: criteria provided, single submitter. Criteria: Invitae Variant Classification Sherloc (09022015). Collection method: clinical testing. Allele origin: germline.
Comment: This sequence change replaces aspartic acid, which is acidic and polar, with glycine, which is neutral and non-polar, at codon 929 of the DICER1 protein (p.Asp929Gly). This variant is not present in population databases (gnomAD no frequency). This variant has not been reported in the literature in individuals affected with DICER1-related conditions. Advanced modeling of protein sequence and biophysical properties (such as structural, functional, and spatial information, amino acid conservation, physicochemical variation, residue mobility, and thermodynamic stability) performed at Invitae indicates that this missense variant is not expected to disrupt DICER1 protein function with a negative predictive value of 80%. In summary, the available evidence is currently insufficient to determine the role of this variant in disease. Therefore, it has been classified as a Variant of Uncertain Significance.